The following is an entry in ClinVar:

NM_018896.5(CACNA1G):c.2979+1G>T

Gene: CACNA1G (calcium voltage-gated channel subunit alpha1 G; plus strand). Cytogenetic location: 17q21.33.
Variant type: single nucleotide variant.
Coding change: c.2979+1G>T on transcript NM_018896.5 (MANE Select); the canonical splice donor site of the intron after coding-DNA position 2979, G replaced by T.
Molecular consequence: splice donor variant. On other transcripts: intron variant (8).
Genome position (GRCh38, 1-based): chr17:50,595,062, G>T. VCF-style: chr17-50595062-G-T. GRCh37 (hg19) VCF-style: chr17-48672423-G-T.
Other names: c.2979+1G>T (NM_001256325.2, NM_198377.3, NM_198380.3 and 16 more transcripts); c.2911-1500G>T (NM_198396.3, NM_198379.3, NM_198387.3 and 5 more transcripts).
Identifiers: ClinVar variation 1064573 (VCV001064573.7), dbSNP rs1270287011, ClinGen allele CA400250741.
Genomic context (GRCh38, chr17:50,595,062, plus strand): 5'-AAACGGGAAGATGCGAGTGGACAGTTAAGCTGTATTCAGCTGCCTGTCGACTCCCAGGGG[G>T]TAGGTACGCGATCATGAGCCGGCATGCCTCCCGTGCCCCATGCCCGTGCCCCTCCACTCC-3'

ClinVar aggregate classification (germline): Uncertain significance. Review status: criteria provided, multiple submitters, no conflicts (2 of 4 stars). 2 submissions from 2 submitters: Uncertain significance (2). Last evaluated 2024-12-26.

Conditions:
Spinocerebellar ataxia 42, early-onset, severe, with neurodevelopmental deficits. Identifiers: MedGen C4748120, MONDO:0060758, OMIM 618087.

Allele frequency attached by ClinVar (database versions not stated): gnomAD exomes below 0.00001 and 0.00001; TOPMed below 0.00001; gnomAD 0.00001.
gnomAD v4.1: 4 of 1,552,206 alleles (0.00026%); highest among the groups gnomAD compares: Non-Finnish European, 0.00026%; no homozygotes.

Submissions (2):

GeneDx
Classification: Uncertain significance. Last evaluated: 2024-12-26. Review status: criteria provided, single submitter. Criteria: GeneDx Variant Classification Process June 2021. Collection method: clinical testing. Allele origin: germline. Affected: yes.
Comment: Canonical splice site variant with an unclear effect on protein function; Not observed at significant frequency in large population cohorts (gnomAD); Has not been previously published as pathogenic or benign to our knowledge

UNC Molecular Genetics  Laboratory, University of North Carolina at Chapel Hill
Classification: Uncertain significance for Spinocerebellar ataxia 42, early-onset, severe, with neurodevelopmental deficits. Last evaluated: 2021-02-01. Review status: criteria provided, single submitter. Criteria: ACMG Guidelines, 2015. Collection method: research. Allele origin: germline. Observed: 1 variant allele. Study: CSER_NCGENES.
Comment: The CACNA1G c.2979+1G>T variant is predicted to abolish the mRNA splice donor site of exon 14. This variant impacts the canonical transcript of CACNA1G and 24 of the 36 annotated transcripts. To our knowledge, this variant has not been previously reported in affected individuals in the literature. This is a rare variant in the human population and is observed in the Genome Aggregation Database (gnomAD) with a minor allele frequency of 0.0006% (1/160,238 alleles) in all populations. The previously reported pathogenic variants associated with the CACNA1G-related early-onset neurodevelopmental disorder have been de novo missense variants. The impact of putative loss-of-function variants causing premature transcript termination or abnormal splicing to CACNA1G-related disorders is not well-studied. Without additional clinical or functional evidence, this variant is considered a variant of uncertain significance.